The following is an entry in ClinVar:

NM_021072.4(HCN1):c.1718T>G (p.Leu573Arg)

Gene: HCN1 (hyperpolarization activated cyclic nucleotide gated potassium channel 1; minus strand). Cytogenetic location: 5p12.
Variant type: single nucleotide variant.
Coding change: c.1718T>G on transcript NM_021072.4 (MANE Select); coding-DNA position 1718, T replaced by G.
Protein change: p.Leu573Arg; replaces leucine 573 with arginine.
Molecular consequence: missense variant.
Genome position (GRCh38, 1-based): chr5:45,267,154, A>C on the plus strand (T>G on the coding strand, the complement: HCN1 is on the minus strand). VCF-style: chr5-45267154-A-C. GRCh37 (hg19) VCF-style: chr5-45267256-A-C.
Other names: short protein forms L573R.
Identifiers: ClinVar variation 3254995 (VCV003254995.1), dbSNP rs2478195499.

ClinVar aggregate classification (germline): Uncertain significance (1 of 4 stars; one submission).

Conditions:
Generalized epilepsy with febrile seizures plus, type 10. Also called: GEFS+, TYPE 10. Identifiers: MedGen C5193120, MONDO:0032777, OMIM 618482.

Submission:

Victorian Clinical Genetics Services, Murdoch Childrens Research Institute
Classification: Uncertain significance for Generalized epilepsy with febrile seizures plus, type 10. Last evaluated: 2023-12-21. Review status: criteria provided, single submitter. Criteria: ACMG Guidelines, 2015. Collection method: clinical testing. Allele origin: germline. Inheritance: Autosomal dominant inheritance. Affected: yes.
Comment: Based on the classification scheme VCGS_Germline_v1.3.4, this variant is classified as VUS-3A. Following criteria are met: 0103 - Gain of function effect due to cation leak and neuronal hyperexcitability is a reported mechanism of disease in developmental and epileptic encephalopathy 24 (DEE24; MIM#615871). The mechanism of disease in generalized epilepsy with febrile seizures plus, type 10 (GEFSP10; MIM#618482) remains unestablished with both gain and loss of function effects reported with different missense variants (OMIM, PMIDs:30351409, 37265603). (I) 0107 - This gene is associated with autosomal dominant disease. Variants associated with the severe phenotype (DEE24) tend to cluster within or close to the transmembrane domains, while variants associated with milder phenotypes (GEFSP10) tend to be located outside the TM domain (PMID:30351409). (I) 0200 - Variant is predicted to result in a missense amino acid change from leucine to arginine. (I) 0251 - This variant is heterozygous. (I) 0301 - Variant is absent from gnomAD (both v2 and v3). (SP) 0501 - Missense variant consistently predicted to be damaging by multiple in silico tools and is highly conserved with a major amino acid change. (SP) 0600 - Variant is in the annotated cNMP-binding domain (DECIPHER). (I) 0705 - No comparable missense variants have previous evidence for pathogenicity. (I) 0807 - This variant has no previous evidence of pathogenicity. (I) 0905 - No published segregation evidence has been identified for this variant. (I) 1007 - No published functional evidence has been identified for this variant. (I) 1208 - Inheritance information for this variant is not currently available in this individual. (I) Legend: (SP) - Supporting pathogenic, (I) - Information, (SB) - Supporting benign

Literature cited by the submitters: PubMed 30351409; PubMed 37265603.